The following is an entry in ClinVar:

NM_000540.3(RYR1):c.6688A>T (p.Thr2230Ser)

Gene: RYR1 (ryanodine receptor 1; plus strand). Cytogenetic location: 19q13.2.
Variant type: single nucleotide variant.
Coding change: c.6688A>T on transcript NM_000540.3 (MANE Select); coding-DNA position 6688, A replaced by T.
Protein change: p.Thr2230Ser; replaces threonine 2230 with serine.
Molecular consequence: missense variant.
Genome position (GRCh38, 1-based): chr19:38,496,433, A>T. VCF-style: chr19-38496433-A-T. GRCh37 (hg19) VCF-style: chr19-38987073-A-T.
Other names: c.6688A>T, p.Thr2230Ser (NM_001042723.2); short protein forms T2230S.
Identifiers: ClinVar variation 224388 (VCV000224388.1), dbSNP rs200630616, ClinGen allele CA211969.

ClinVar aggregate classification (germline): Uncertain significance (1 of 4 stars; one submission).

Conditions:
Malignant hyperthermia, susceptibility to, 1 (MHS1). Also called: Malignant hyperthermia suceptibility 1; RYR1-Related Malignant Hyperthermia Susceptibility; Anesthesia related hyperthermia; Malignant hyperpyrexia; Fulminating hyperpyrexia; Pharmacogenic myopathy. Identifiers: Orphanet 423, MedGen C2930980, MONDO:0007783, OMIM 145600.

Allele frequency attached by ClinVar (database versions not stated): gnomAD exomes below 0.00001.
gnomAD v4.1: 1 of 1,613,776 alleles (0.000062%); highest among the groups gnomAD compares: Non-Finnish European, 0.000085%; no homozygotes.

Submission:

Biesecker Lab/Clinical Genomics Section, National Institutes of Health
Classification: Uncertain significance for Malignant hyperthermia, susceptibility to, 1. Last evaluated: 2013-07-01. Review status: criteria provided, single submitter. Criteria: Gonsalves et al. 2013. Collection method: research. Allele origin: unknown. Observed: 1 variant allele. Study: ClinSeq.
Comment: The study set was not selected for affection status in relation to any myopathy. Pathogenicity categories were based on literature curation. See Pubmed ID: 24195946 for details.